The following is an entry in ClinVar:

ClinVar aggregate classification (germline): Uncertain significance (1 of 4 stars; one submission).

Conditions:
Autoimmune interstitial lung disease-arthritis syndrome. Also called: Autoinflammation and autoimmunity, systemic, with immune dysregulation. Identifiers: Orphanet 444092, MedGen C5975714, MONDO:0014629.

Allele frequency attached by ClinVar (database versions not stated): gnomAD 0.00001; gnomAD exomes 0.00001; TOPMed 0.00001; ExAC 0.00002.
gnomAD v4.1: 22 of 1,613,910 alleles (0.0014%); highest among the groups gnomAD compares: East Asian, 0.0022%; no homozygotes.

Submission:

Labcorp Genetics (formerly Invitae), Labcorp
Classification: Uncertain significance for Autoimmune interstitial lung disease-arthritis syndrome. Last evaluated: 2025-02-04. Review status: criteria provided, single submitter. Criteria: Invitae Variant Classification Sherloc (09022015). Collection method: clinical testing. Allele origin: germline.
Comment: This sequence change replaces arginine, which is basic and polar, with tryptophan, which is neutral and slightly polar, at codon 1126 of the COPA protein (p.Arg1126Trp). This variant is present in population databases (rs200991611, gnomAD 0.003%). This variant has not been reported in the literature in individuals affected with COPA-related conditions. ClinVar contains an entry for this variant (Variation ID: 2740552). Invitae Evidence Modeling of protein sequence and biophysical properties (such as structural, functional, and spatial information, amino acid conservation, physicochemical variation, residue mobility, and thermodynamic stability) indicates that this missense variant is expected to disrupt COPA protein function with a positive predictive value of 80%. In summary, the available evidence is currently insufficient to determine the role of this variant in disease. Therefore, it has been classified as a Variant of Uncertain Significance.

NM_004371.4(COPA):c.3376C>T (p.Arg1126Trp)

Gene: COPA (coat protein complex I subunit alpha; minus strand). Cytogenetic location: 1q23.2.
Variant type: single nucleotide variant.
Coding change: c.3376C>T on transcript NM_004371.4 (MANE Select); coding-DNA position 3376, C replaced by T.
Protein change: p.Arg1126Trp; replaces arginine 1126 with tryptophan.
Molecular consequence: missense variant.
Genome position (GRCh38, 1-based): chr1:160,291,379, G>A on the plus strand (C>T on the coding strand, the complement: COPA is on the minus strand). VCF-style: chr1-160291379-G-A. GRCh37 (hg19) VCF-style: chr1-160261169-G-A.
Other names: c.3403C>T, p.Arg1135Trp (NM_001098398.2); short protein forms R1135W, R1126W.
Identifiers: ClinVar variation 2740552 (VCV002740552.3), dbSNP rs200991611, ClinGen allele CA1197642.
Genomic context (GRCh38, chr1:160,291,379, plus strand): 5'-AAGGAGTTCCATCTACCTGTTGGGCCACCTCAGGCTTGGGCCCGAGTTCTAGTAGGCGCC[G>A]AGCAAAGGTGGCAGCTGTCTTGAAGTTCTTGAGCTTGAAGAACAGATTGAGGGCTGTACG-3'
Protein context (NP_004362.2, residues 1116-1136): KNFKTAATFA[Arg1126Trp]RLLELGPKPE